The following is an entry in ClinVar:

NM_001371596.2(MFSD8):c.1346C>T (p.Pro449Leu)

Gene: MFSD8 (major facilitator superfamily domain containing 8; minus strand). Cytogenetic location: 4q28.2.
Variant type: single nucleotide variant.
Coding change: c.1346C>T on transcript NM_001371596.2 (MANE Select); coding-DNA position 1346, C replaced by T.
Protein change: p.Pro449Leu; replaces proline 449 with leucine.
Molecular consequence: missense variant.
Genome position (GRCh38, 1-based): chr4:127,921,528, G>A on the plus strand (C>T on the coding strand, the complement: MFSD8 is on the minus strand). VCF-style: chr4-127921528-G-A. GRCh37 (hg19) VCF-style: chr4-128842683-G-A.
Other names: c.1145C>T, p.Pro382Leu (NM_001363520.3); c.1031C>T, p.Pro344Leu (NM_001363521.3); c.1211C>T, p.Pro404Leu (NM_001371590.2); c.1346C>T, p.Pro449Leu (NM_001371591.2, NM_152778.4); c.1352C>T, p.Pro451Leu (NM_001371592.2); c.1232C>T, p.Pro411Leu (NM_001371593.2); c.1199C>T, p.Pro400Leu (NM_001371594.2); c.1064C>T, p.Pro355Leu (NM_001371595.1); and 2 more; short protein forms P355L, P411L, P404L, P449L, P451L, P344L, P382L, P400L.
Identifiers: ClinVar variation 1419998 (VCV001419998.6), dbSNP rs780779080, ClinGen allele CA3077249.
Genomic context (GRCh38, chr4:127,921,528, plus strand): 5'-GTTGAGTGCTTACAAGTATATTTTCTATAATTGCAATGTCAGGGTACCTGGCTTACCTGA[G>A]GTTTTGGTCCTAGAATTTTTGAATATAGAGTATAGGACATAAGATTGCAGACTGGATAGC-3'
Protein context (NP_001358525.1, residues 439-459): TLYSKILGPK[Pro449Leu]QGVYMGWLTA

ClinVar aggregate classification (germline): Uncertain significance (1 of 4 stars; one submission).

Conditions:
Neuronal ceroid lipofuscinosis 7 (CLN7). Also called: MFSD8-Related Neuronal Ceroid-Lipofuscinosis. Identifiers: Orphanet 168491, Orphanet 228366, MedGen C1838571, MONDO:0012588, OMIM 610951.

Allele frequency attached by ClinVar (database versions not stated): gnomAD exomes below 0.00001 and 0.00001; ExAC 0.00001.
gnomAD v4.1: 4 of 1,614,148 alleles (0.00025%); highest among the groups gnomAD compares: East Asian, 0.0022%; no homozygotes.

Submission:

Labcorp Genetics (formerly Invitae), Labcorp
Classification: Uncertain significance for Neuronal ceroid lipofuscinosis 7. Last evaluated: 2021-09-24. Review status: criteria provided, single submitter. Criteria: Invitae Variant Classification Sherloc (09022015). Collection method: clinical testing. Allele origin: germline.
Comment: This sequence change replaces proline with leucine at codon 449 of the MFSD8 protein (p.Pro449Leu). The proline residue is highly conserved and there is a moderate physicochemical difference between proline and leucine. This variant is present in population databases (rs780779080, ExAC 0.01%). This variant has not been reported in the literature in individuals with MFSD8-related conditions. Algorithms developed to predict the effect of missense changes on protein structure and function (SIFT, PolyPhen-2, Align-GVGD) all suggest that this variant is likely to be disruptive, but these predictions have not been confirmed by published functional studies and their clinical significance is uncertain. In summary, the available evidence is currently insufficient to determine the role of this variant in disease. Therefore, it has been classified as a Variant of Uncertain Significance.